The following is an entry in ClinVar:

NM_006939.4(SOS2):c.1514C>G (p.Thr505Ser)

Gene: SOS2 (SOS Ras/Rho guanine nucleotide exchange factor 2; minus strand). Cytogenetic location: 14q21.3.
Variant type: single nucleotide variant.
Coding change: c.1514C>G on transcript NM_006939.4 (MANE Select); coding-DNA position 1514, C replaced by G.
Protein change: p.Thr505Ser; replaces threonine 505 with serine.
Molecular consequence: missense variant.
Genome position (GRCh38, 1-based): chr14:50,159,769, G>C on the plus strand (C>G on the coding strand, the complement: SOS2 is on the minus strand). VCF-style: chr14-50159769-G-C. GRCh37 (hg19) VCF-style: chr14-50626487-G-C.
Other names: c.1415C>G, p.Thr472Ser (NM_001411020.1); short protein forms T472S, T505S.
Identifiers: ClinVar variation 3720780 (VCV003720780.2).

ClinVar aggregate classification (germline): Uncertain significance (1 of 4 stars; one submission).

Conditions:
Noonan syndrome 9 (NS9). Identifiers: Orphanet 648, MedGen C4225282, MONDO:0014691, OMIM 616559.

Submission:

Labcorp Genetics (formerly Invitae), Labcorp
Classification: Uncertain significance for Noonan syndrome 9. Last evaluated: 2024-10-27. Review status: criteria provided, single submitter. Criteria: Invitae Variant Classification Sherloc (09022015). Collection method: clinical testing. Allele origin: germline.
Comment: This sequence change replaces threonine, which is neutral and polar, with serine, which is neutral and polar, at codon 505 of the SOS2 protein (p.Thr505Ser). This variant is not present in population databases (gnomAD no frequency). This variant has not been reported in the literature in individuals affected with SOS2-related conditions. Invitae Evidence Modeling of protein sequence and biophysical properties (such as structural, functional, and spatial information, amino acid conservation, physicochemical variation, residue mobility, and thermodynamic stability) indicates that this missense variant is not expected to disrupt SOS2 protein function with a negative predictive value of 95%. In summary, the available evidence is currently insufficient to determine the role of this variant in disease. Therefore, it has been classified as a Variant of Uncertain Significance.